The following is an entry in ClinVar:

NM_000747.3(CHRNB1):c.386T>C (p.Ile129Thr)

Gene: CHRNB1 (cholinergic receptor nicotinic beta 1 subunit; plus strand). Cytogenetic location: 17p13.1.
Variant type: single nucleotide variant.
Coding change: c.386T>C on transcript NM_000747.3 (MANE Select); coding-DNA position 386, T replaced by C.
Protein change: p.Ile129Thr; replaces isoleucine 129 with threonine.
Molecular consequence: missense variant.
Genome position (GRCh38, 1-based): chr17:7,447,075, T>C. VCF-style: chr17-7447075-T-C. GRCh37 (hg19) VCF-style: chr17-7350394-T-C.
Other names: c.386T>C (NM_000747.2); short protein forms I129T.
Identifiers: ClinVar variation 1500112 (VCV001500112.7), dbSNP rs762779280, ClinGen allele CA8347764.

ClinVar aggregate classification (germline): Uncertain significance. Review status: criteria provided, multiple submitters, no conflicts (2 of 4 stars). 2 submissions from 2 submitters: Uncertain significance (2). Last evaluated 2025-01-03.

Conditions:
Inborn genetic diseases. Identifiers: MedGen C0950123, MeSH D030342.
Congenital myasthenic syndrome 2A. Also called: Myasthenic syndrome, congenital, 2a, slow-channel. Identifiers: Orphanet 590, MedGen C4225374, MONDO:0014581, OMIM 616313.

Allele frequency attached by ClinVar (database versions not stated): gnomAD exomes below 0.00001; ExAC 0.00001; TOPMed 0.00002.
gnomAD v4.1: 4 of 1,614,090 alleles (0.00025%); highest among the groups gnomAD compares: Non-Finnish European, 0.00034%; no homozygotes.

Submissions (2):

Ambry Genetics
Classification: Uncertain significance for Inborn genetic diseases. Last evaluated: 2025-01-03. Review status: criteria provided, single submitter. Criteria: Ambry Variant Classification Scheme 2023. Collection method: clinical testing. Allele origin: germline.

Labcorp Genetics (formerly Invitae), Labcorp
Classification: Uncertain significance for Congenital myasthenic syndrome 2A. Last evaluated: 2022-06-28. Review status: criteria provided, single submitter. Criteria: Invitae Variant Classification Sherloc (09022015). Collection method: clinical testing. Allele origin: germline.
Comment: In summary, the available evidence is currently insufficient to determine the role of this variant in disease. Therefore, it has been classified as a Variant of Uncertain Significance. Advanced modeling of protein sequence and biophysical properties (such as structural, functional, and spatial information, amino acid conservation, physicochemical variation, residue mobility, and thermodynamic stability) performed at Invitae indicates that this missense variant is not expected to disrupt CHRNB1 protein function. This variant has not been reported in the literature in individuals affected with CHRNB1-related conditions. This variant is present in population databases (rs762779280, gnomAD 0.0009%). This sequence change replaces isoleucine, which is neutral and non-polar, with threonine, which is neutral and polar, at codon 129 of the CHRNB1 protein (p.Ile129Thr).